The following is an entry in ClinVar:

ClinVar aggregate classification (germline): Uncertain significance (1 of 4 stars; one submission).

Conditions:
Developmental and epileptic encephalopathy, 9 (DEE9). Also called: Early infantile epileptic encephalopathy 9; JUBERG-HELLMAN SYNDROME; PCDH19-Related X-Linked Female-Limited Epilepsy with Mental Retardation; EPILEPSY, FEMALE-RESTRICTED, WITH MENTAL RETARDATION. Identifiers: Orphanet 101039, Orphanet 2076, MedGen C1848137, MONDO:0010246, OMIM 300088. Disease mechanism: loss of function.

Submission:

Labcorp Genetics (formerly Invitae), Labcorp
Classification: Uncertain significance for Developmental and epileptic encephalopathy, 9. Last evaluated: 2021-05-31. Review status: criteria provided, single submitter. Criteria: Invitae Variant Classification Sherloc (09022015). Collection method: clinical testing. Allele origin: germline.
Comment: Algorithms developed to predict the effect of missense changes on protein structure and function are either unavailable or do not agree on the potential impact of this missense change (SIFT: "Deleterious"; PolyPhen-2: "Benign"; Align-GVGD: "Class C0"). This variant has not been reported in the literature in individuals with PCDH19-related conditions. This variant is not present in population databases (ExAC no frequency). This sequence change replaces glutamine with histidine at codon 860 of the PCDH19 protein (p.Gln860His). The glutamine residue is highly conserved and there is a small physicochemical difference between glutamine and histidine. In summary, the available evidence is currently insufficient to determine the role of this variant in disease. Therefore, it has been classified as a Variant of Uncertain Significance.

NM_001184880.2(PCDH19):c.2580G>T (p.Gln860His)

Genes: PCDH19 (protocadherin 19; minus strand), LOC125467768 (CDK7 strongly-dependent group 2 enhancer GRCh37_chrX:99657381-99658580; plus strand). Cytogenetic location: Xq22.1.
Variant type: single nucleotide variant.
Coding change: c.2580G>T on transcript NM_001184880.2 (MANE Select); coding-DNA position 2580, G replaced by T.
Protein change: p.Gln860His; replaces glutamine 860 with histidine.
Molecular consequence: missense variant.
Genome position (GRCh38, 1-based): chrX:100,402,560, C>A on the plus strand (G>T on the coding strand, the complement: PCDH19 is on the minus strand). VCF-style: chrX-100402560-C-A. GRCh37 (hg19) VCF-style: chrX-99657558-C-A.
Other names: c.2439G>T, p.Gln813His (NM_001105243.2, NM_020766.3); short protein forms Q860H, Q813H.
Identifiers: ClinVar variation 1424483 (VCV001424483.8), dbSNP rs2147532962, ClinGen allele CA414005341.